The following is an entry in ClinVar:

NM_015335.5(MED13L):c.4203_4209del (p.Leu1401fs)

Gene: MED13L (mediator complex subunit 13L; minus strand). Cytogenetic location: 12q24.21.
Variant type: Deletion.
Coding change: c.4203_4209del on transcript NM_015335.5 (MANE Select); coding-DNA positions 4203 to 4209, 7 bases deleted (GCCGTTT; older notation c.4203_4209delGCCGTTT).
Protein change: p.Leu1401fs; shifts the reading frame from leucine 1401.
Molecular consequence: frameshift variant.
Genome position (GRCh38, 1-based): chr12:115,986,395-115,986,401, AAACGGC deleted on the plus strand (GCCGTTT on the coding strand, the reverse complement: MED13L is on the minus strand); deleting any 7 consecutive bases within chr12:115,986,395-115,986,403 gives the same sequence; the c. name uses the placement nearest the transcript's 3' end. VCF-style (leftmost placement, unchanged base first): chr12-115986394-AAAACGGC-A. GRCh37 (hg19) VCF-style: chr12-116424199-AAAACGGC-A.
Other names: short protein forms L1401fs.
Identifiers: ClinVar variation 3775277 (VCV003775277.1).

ClinVar aggregate classification (germline): Likely pathogenic (1 of 4 stars; one submission).

Conditions:
Cardiac anomalies - developmental delay - facial dysmorphism syndrome (MRFACD). Also called: Impaired intellectual development and distinctive facial features with or without cardiac defects; MED13L Syndrome. Identifiers: Orphanet 369891, MedGen C5192431, MONDO:0014773, OMIM 616789.

Submission:

3billion
Classification: Likely pathogenic for Cardiac anomalies - developmental delay - facial dysmorphism syndrome. Last evaluated: 2023-12-07. Review status: criteria provided, single submitter. Criteria: ACMG Guidelines, 2015. Collection method: clinical testing. Allele origin: germline. Affected: yes.
Comment: The variant is not observed in the gnomAD v2.1.1 dataset. Predicted Consequence/Location: Frameshift: predicted to result in a loss or disruption of normal protein function through nonsense-mediated decay (NMD) or protein truncation. Multiple pathogenic variants are reported downstream of the variant. Therefore, this variant is classified as Likely pathogenic according to the recommendation of ACMG/AMP guideline.